The following is an entry in ClinVar:

NM_199420.4(POLQ):c.2524G>A (p.Ala842Thr)

Gene: POLQ (DNA polymerase theta; minus strand). Cytogenetic location: 3q13.33.
Variant type: single nucleotide variant.
Coding change: c.2524G>A on transcript NM_199420.4 (MANE Select); coding-DNA position 2524, G replaced by A.
Protein change: p.Ala842Thr; replaces alanine 842 with threonine.
Molecular consequence: missense variant.
Genome position (GRCh38, 1-based): chr3:121,490,407, C>T on the plus strand (G>A on the coding strand, the complement: POLQ is on the minus strand). VCF-style: chr3-121490407-C-T. GRCh37 (hg19) VCF-style: chr3-121209254-C-T.
Other names: c.2524G>A (NM_199420.3); short protein forms A842T.
Identifiers: ClinVar variation 1049908 (VCV001049908.2), dbSNP rs2108799242, ClinGen allele CA354106023.
Genomic context (GRCh38, chr3:121,490,407, plus strand): 5'-TAGTTCGCATATTGCGACGTTCTTCAACTGCTTCCTCTTCCTCATCCACTGCCTTCCGGG[C>T]ACTACACAAGGAGATGGGAAAAGACAGAAATGAATTCATTCATTCGTAAGGCAAGTATTT-3'
Protein context (NP_955452.3, residues 832-852): ILKNAVPFKS[Ala842Thr]RKAVDEEEEA

ClinVar aggregate classification (germline): Uncertain significance. Review status: criteria provided, single submitter (1 of 4 stars). 2 submissions from 2 submitters: Uncertain significance (1). 1 of the submissions does not count toward it. Last evaluated 2023-11-10.

Submissions (2):

Ambry Genetics
Classification: Uncertain significance. Last evaluated: 2023-11-10. Review status: criteria provided, single submitter. Criteria: Ambry Variant Classification Scheme 2023. Collection method: clinical testing. Allele origin: germline.
Comment: The p.A842T variant (also known as c.2524G>A), located in coding exon 16 of the POLQ gene, results from a G to A substitution at nucleotide position 2524. The alanine at codon 842 is replaced by threonine, an amino acid with similar properties. This amino acid position is conserved. In addition, this alteration is predicted to be tolerated by in silico analysis. Since supporting evidence is limited at this time, the clinical significance of this alteration remains unclear.

Department of Pathology and Laboratory Medicine, Sinai Health System
Classification: Uncertain significance. Review status: no assertion criteria provided. Collection method: clinical testing. Allele origin: unknown. Affected: yes. Study: The Canadian Open Genetics Repository (COGR). Not counted in ClinVar's aggregate classification.
Comment: The POLQ p.Ala842Thr variant was not identified in the literature nor was it identified in dbSNP, ClinVar, Cosmic, LOVD 3.0 or in the following control databases: the 1000 Genomes Project, the NHLBI GO Exome Sequencing Project, the Exome Aggregation Consortium (August 8th 2016), or the Genome Aggregation Database (Feb 27, 2017). The p.Ala842 residue is not conserved in mammals and four out of five computational analyses (PolyPhen-2, SIFT, AlignGVGD, BLOSUM, MutationTaster) do not suggest a high likelihood of impact to the protein; however, this information is not predictive enough to rule out pathogenicity. The variant occurs outside of the splicing consensus sequence and in silico or computational prediction software programs (SpliceSiteFinder, MaxEntScan, NNSPLICE, GeneSplicer) do not predict a difference in splicing. In summary, based on the above information the clinical significance of this variant cannot be determined with certainty at this time. This variant is classified as a variant of uncertain significance.